The following is an entry in ClinVar:

ClinVar aggregate classification (germline): Pathogenic/Likely pathogenic. Review status: criteria provided, multiple submitters, no conflicts (2 of 4 stars). 2 submissions from 2 submitters: Pathogenic (1); Likely pathogenic (1). Last evaluated 2024-01-07.

Conditions:
Fanconi anemia (FA). Also called: Fanconi's anemia. Identifiers: Orphanet 84, MedGen C0015625, MeSH D005199, MONDO:0019391.
Fanconi anemia complementation group A (FANCA). Also called: Fanconi anemia, group A; FANCA-Related Fanconi Anemia. Identifiers: Orphanet 84, MedGen C3469521, MONDO:0009215, OMIM 227650.

Submissions (2):

Fulgent Genetics
Classification: Likely pathogenic for Fanconi anemia complementation group A. Last evaluated: 2024-01-07. Review status: criteria provided, single submitter. Criteria: ACMG Guidelines, 2015. Collection method: clinical testing. Allele origin: germline.

Labcorp Genetics (formerly Invitae), Labcorp
Classification: Pathogenic for Fanconi anemia. Last evaluated: 2023-02-15. Review status: criteria provided, single submitter. Criteria: Invitae Variant Classification Sherloc (09022015). Collection method: clinical testing. Allele origin: germline.
Comment: This sequence change creates a premature translational stop signal (p.Pro401Glnfs*14) in the FANCA gene. It is expected to result in an absent or disrupted protein product. Loss-of-function variants in FANCA are known to be pathogenic (PMID: 19367192). This variant is not present in population databases (gnomAD no frequency). This variant has not been reported in the literature in individuals affected with FANCA-related conditions. ClinVar contains an entry for this variant (Variation ID: 863457). For these reasons, this variant has been classified as Pathogenic.

Literature cited by the submitters: PubMed 19367192 (cited by Labcorp Genetics (formerly Invitae), Labcorp).

NM_000135.4(FANCA):c.1202del (p.Pro401fs)

Gene: FANCA (FA complementation group A; minus strand). Cytogenetic location: 16q24.3.
Variant type: Deletion.
Coding change: c.1202del on transcript NM_000135.4 (MANE Select); coding-DNA position 1202, one base deleted (C; older notation c.1202delC).
Protein change: p.Pro401fs; shifts the reading frame from proline 401.
Molecular consequence: frameshift variant.
Genome position (GRCh38, 1-based): chr16:89,791,950, G deleted on the plus strand (C on the coding strand, the reverse complement: FANCA is on the minus strand); the first of 2 consecutive G bases (chr16:89,791,950-89,791,951); deleting either gives the same sequence. VCF-style (leftmost placement, unchanged base first): chr16-89791949-TG-T. GRCh37 (hg19) VCF-style: chr16-89858357-TG-T.
Other names: c.1202del, p.Pro401fs (NM_001286167.3); short protein forms P401fs.
Identifiers: ClinVar variation 863457 (VCV000863457.9), dbSNP rs2040090741, ClinGen allele CA916081861.